The following is an entry in ClinVar:

NM_001350162.2(TEX15):c.6848_6875delinsACACAATCCTTCAGCAAAAAAT (p.Arg2283_Ser2292delinsAsnThrIleLeuGlnGlnLysIle)

Gene: TEX15 (testis expressed 15, meiosis and synapsis associated; minus strand). Cytogenetic location: 8p12.
Variant type: Indel.
Coding change: c.6848_6875delinsACACAATCCTTCAGCAAAAAAT on transcript NM_001350162.2 (MANE Select); coding-DNA positions 6848 to 6875, GAACACAATCCTTCAGCAAAAAATACTC replaced by ACACAATCCTTCAGCAAAAAAT.
Protein change: p.Arg2283_Ser2292delinsAsnThrIleLeuGlnGlnLysIle.
Molecular consequence: inframe indel.
Genome position (GRCh38, 1-based): chr8:30,843,292-30,843,319, GAGTATTTTTTGCTGAAGGATTGTGTTC replaced by ATTTTTTGCTGAAGGATTGTGT on the plus strand (GAACACAATCCTTCAGCAAAAAATACTC replaced by ACACAATCCTTCAGCAAAAAAT on the coding strand, the reverse complement: TEX15 is on the minus strand). GRCh37 (hg19): chr8:30,700,808-30,700,835.
Identifiers: ClinVar variation 4850282 (VCV004850282.1).
Genomic context (GRCh38, chr8:30,843,292, plus strand): 5'-TGCAACTTAGAAAAGGCACATTTATTCACTCTGAGTAGCCTTTCTTCGTCCTTCTTTTGT[GAGTATTTTTTGCTGAAGGATTGTGTTC>ATTTTTTGCTGAAGGATTGTGT]TCTCTTTCCAAACAAGATTTTTTGCAGCATCAAAAAAGATATGTTCCAGACCATAAAGAG-3'

ClinVar aggregate classification (germline): Likely pathogenic (1 of 4 stars; one submission).

Conditions:
Spermatogenic failure 25. Identifiers: MedGen C4693765, MONDO:0054729, OMIM 617960.

Submission:

First Genomix Gene Laboratory, Genetic Diagnostics Department
Classification: Likely pathogenic for Spermatogenic failure 25. Last evaluated: 2025-09-04. Review status: criteria provided, single submitter. Criteria: ACMG Guidelines, 2015. Collection method: clinical testing. Allele origin: germline. Inheritance: Autosomal recessive inheritance. Affected: no. Observed: 1 variant allele.